The following is an entry in ClinVar:

NC_000019.9:g.(?_14854212)_(14854616_?)del

Gene: ADGRE2 (adhesion G protein-coupled receptor E2; minus strand). Cytogenetic location: 19p13.12.
Variant type: Deletion.
Identifiers: ClinVar variation 2425873 (VCV002425873.4).

ClinVar aggregate classification (germline): Uncertain significance (1 of 4 stars; one submission).

Submission:

Labcorp Genetics (formerly Invitae), Labcorp
Classification: Uncertain significance. Last evaluated: 2023-11-16. Review status: criteria provided, single submitter. Criteria: Invitae Variant Classification Sherloc (09022015). Collection method: clinical testing. Allele origin: germline.
Comment: This variant is a gross deletion of the genomic region encompassing exon(s) 19-20 of the ADGRE2 gene. While this deletion is not anticipated to lead to nonsense mediated decay, it is expected to disrupt the C-terminus of the protein. This variant has not been reported in the literature in individuals affected with ADGRE2-related conditions. In summary, the available evidence is currently insufficient to determine the role of this variant in disease. Therefore, it has been classified as a Variant of Uncertain Significance.